The following is an entry in ClinVar:

NM_001040142.2(SCN2A):c.517A>T (p.Lys173Ter)

Gene: SCN2A (sodium voltage-gated channel alpha subunit 2; plus strand). Cytogenetic location: 2q24.3.
Variant type: single nucleotide variant.
Coding change: c.517A>T on transcript NM_001040142.2 (MANE Select); coding-DNA position 517, A replaced by T.
Protein change: p.Lys173Ter; replaces lysine 173 with a stop codon.
Molecular consequence: nonsense.
Genome position (GRCh38, 1-based): chr2:165,308,706, A>T. VCF-style: chr2-165308706-A-T. GRCh37 (hg19) VCF-style: chr2-166165216-A-T.
Other names: c.517A>T, p.Lys173Ter (NM_001040143.2, NM_001371246.1, NM_001371247.1 and 1 more transcripts); short protein forms K173*.
Identifiers: ClinVar variation 489024 (VCV000489024.2), dbSNP rs1553567304, ClinGen allele CA349016145.

ClinVar aggregate classification (germline): Pathogenic (1 of 4 stars; one submission).

Submission:

GeneDx
Classification: Pathogenic. Last evaluated: 2017-07-10. Review status: criteria provided, single submitter. Criteria: GeneDx Variant Classification (06012015). Collection method: clinical testing. Allele origin: germline. Affected: yes.
Comment: The K173X variant in the SCN2A gene has not been reported previously as a pathogenic variant nor as a benign variant, to our knowledge. This variant is predicted to cause loss of normal protein function either through protein truncation or nonsense-mediated mRNA decay. The K173X variant is not observed in large population cohorts (Lek et al., 2016; 1000 Genomes Consortium et al., 2015; Exome Variant Server). We interpret K173X as a pathogenic variant